The following is an entry in ClinVar:

ClinVar aggregate classification (germline): Likely benign (1 of 4 stars; one submission).

Allele frequency attached by ClinVar (database versions not stated): 1000 Genomes Project 30x 0.00047; 1000 Genomes Project 0.00060.

Submission:

CeGaT Center for Human Genetics Tuebingen
Classification: Likely benign. Last evaluated: 2026-03-01. Review status: criteria provided, single submitter. Criteria: CeGaT Center For Human Genetics Tuebingen Variant Classification Criteria Version 2. Collection method: clinical testing. Allele origin: germline. Affected: yes. Observed: 3 variant alleles.
Comment: EPS8L2: BS1:Supporting

NM_022772.4(EPS8L2):c.*551G>T

Gene: EPS8L2 (EPS8 signaling adaptor L2; plus strand). Cytogenetic location: 11p15.5.
Variant type: single nucleotide variant.
Coding change: c.*551G>T on transcript NM_022772.4 (MANE Select); 551 bases downstream of the stop codon, G replaced by T.
Molecular consequence: 3 prime UTR variant.
Genome position (GRCh38, 1-based): chr11:727,532, G>T. VCF-style: chr11-727532-G-T. GRCh37 (hg19) VCF-style: chr11-727532-G-T.
Identifiers: ClinVar variation 2672427 (VCV002672427.23), dbSNP rs552760111, ClinGen allele CA216943440.